The following is an entry in ClinVar:

GRCh37/hg19 19q13.33-13.43(chr19:49625130-57647352)x3

Genes: CNOT3 (CCR4-NOT transcription complex subunit 3; plus strand), COX6B2 (cytochrome c oxidase subunit 6B2; minus strand), CPT1C (carnitine palmitoyltransferase 1C; plus strand), ACP4 (acid phosphatase 4; plus strand), ADM5 (adrenomedullin 5 (putative); plus strand) and 258 more. Cytogenetic location: 19q13.33-13.43.
Variant type: copy number gain.
Change: copy number 3 (three copies instead of two) of chr19:49,625,130-57,647,352 (8.02 Mb, GRCh37 coordinates, 1-based), cytogenetic band 19q13.33-13.43.
Identifiers: ClinVar variation 2684892 (VCV002684892.2).

ClinVar aggregate classification (germline): Pathogenic (1 of 4 stars; one submission).

Submission:

Quest Diagnostics Nichols Institute San Juan Capistrano
Classification: Pathogenic. Last evaluated: 2024-09-20. Review status: criteria provided, single submitter. Criteria: ACMG/ClinGen CNV Guidelines, 2019. Collection method: clinical testing. Allele origin: unknown.
Comment: This copy number gain involves more than 250 protein-coding genes. Similar and/or overlapping duplications have been found in individuals with variable phenotypes (Carvalheira 2014). There are no similar copy number gains of this region in the general populations of the Database of Genomic Variants. Thus, based on current medical literature and gene content, this copy number variant (CNV) is classified as pathogenic. Reference: Carvalheira et al., Meta Gene. 2014 Oct 27;2:799-806. PMID: 25606462